The following is an entry in ClinVar:

NM_182961.4(SYNE1):c.15918-12A>G

Gene: SYNE1 (spectrin repeat containing nuclear envelope protein 1; minus strand). Cytogenetic location: 6q25.2.
Variant type: single nucleotide variant.
Coding change: c.15918-12A>G on transcript NM_182961.4 (MANE Select); 12 bases into the intron before coding-DNA position 15918, A replaced by G.
Molecular consequence: intron variant.
Genome position (GRCh38, 1-based): chr6:152,321,898, T>C on the plus strand (A>G on the coding strand, the complement: SYNE1 is on the minus strand). VCF-style: chr6-152321898-T-C. GRCh37 (hg19) VCF-style: chr6-152643033-T-C.
Other names: IVS81AS, A-G, -2; c.15705-12A>G (NM_033071.5).
Identifiers: ClinVar variation 2326 (VCV000002326.21), dbSNP rs606231134, ClinGen allele CA252215.

ClinVar aggregate classification (germline): Pathogenic. Review status: criteria provided, multiple submitters, no conflicts (2 of 4 stars). 11 submissions from 10 submitters: Pathogenic (9). 2 of the submissions do not count toward it. Last evaluated 2026-02-10.

Conditions:
Inborn genetic diseases. Identifiers: MedGen C0950123, MeSH D030342.
Autosomal recessive ataxia, Beauce type. Also called: ATAXIA, RECESSIVE, OF BEAUCE; SYNE1-Related Autosomal Recessive Cerebellar Ataxia; Spinocerebellar ataxia, autosomal recessive 8; SYNE1 Deficiency. Identifiers: Orphanet 88644, MedGen C1853116, MONDO:0012549, OMIM 610743.
Emery-Dreifuss muscular dystrophy 4, autosomal dominant (EDMD4). Also called: EMERY-DREIFUSS MUSCULAR DYSTROPHY 4 WITH VARIABLE FEATURES. Identifiers: Orphanet 261, MedGen C2751807, MONDO:0013071, OMIM 612998.
Arthrogryposis multiplex congenita 3, myogenic type. Also called: ARTHROGRYPOSIS MULTIPLEX CONGENITA, MYOGENIC TYPE. Identifiers: MedGen C5193121, MONDO:0032778, OMIM 618484.
SYNE1-related disorder. Also called: SYNE1-related disease; SYNE1-related condition; SYNE1-related disorders.

Allele frequency attached by ClinVar (database versions not stated): ExAC 0.00002; gnomAD 0.00003 and 0.00004; gnomAD exomes 0.00003; TOPMed 0.00003.
gnomAD v4.1: 46 of 1,613,912 alleles (0.0029%); highest among the groups gnomAD compares: Non-Finnish European, 0.0039%; no homozygotes.

Submissions (11):

Ambry Genetics
Classification: Pathogenic for Inborn genetic diseases. Last evaluated: 2026-02-10. Review status: criteria provided, single submitter. Criteria: Ambry Variant Classification Scheme 2023. Collection method: clinical testing. Allele origin: germline.
Comment: The c.15705-12A>G intronic variant consists of a A to G substitution 12 nucleotides before exon 82 (coding exon 81) of the SYNE1 gene. for autosomal recessive SYNE1-related spinocerebellar ataxia; however, its clinical significance for autosomal recessive SYNE1-related arthrogryposis multiplex congenita and autosomal dominant SYNE1-related myopathy is uncertain. Although biallelic loss of function of SYNE1 has been associated with SYNE1-related spinocerebellar ataxia, haploinsufficiency of SYNE1 has not been established as a mechanism of disease for SYNE1-related myopathy. Based on data from gnomAD, the G allele has an overall frequency of 0.003% (8/251248) total alleles studied. The highest observed frequency was 0.016% (1/6126) of Other alleles. This variant has been identified in the homozygous state and/or in conjunction with other SYNE1 variant(s) in individual(s) with features consistent with SYNE1-related spinocerebellar ataxia; in at least one instance, the variants were identified in trans (Haj Salem, 2021) and in cohort(s) where clinical details were limited (Gros-Louis, 2007; Dupr&eacute;, 2007). This nucleotide position is not well conserved in available vertebrate species. RNA studies have demonstrated that this variant results in abnormal splicing in the set of samples tested (Gros-Louis, 2007). In silico splice site analysis predicts that this alteration will result in the creation or strengthening of a novel splice acceptor site. Based on the available evidence, this alteration is classified as pathogenic.

Labcorp Genetics (formerly Invitae), Labcorp
Classification: Pathogenic for Emery-Dreifuss muscular dystrophy 4, autosomal dominant; Autosomal recessive ataxia, Beauce type. Last evaluated: 2025-08-18. Review status: criteria provided, single submitter. Criteria: Invitae Variant Classification Sherloc (09022015). Collection method: clinical testing. Allele origin: germline.
Comment: This sequence change falls in intron 81 of the SYNE1 gene. It does not directly change the encoded amino acid sequence of the SYNE1 protein. This variant is present in population databases (rs606231134, gnomAD 0.004%). This variant has been observed in individuals with spinocerebellar ataxia (SCA) (PMID: 17159980, 17503513). It is commonly reported in individuals of French Canadian ancestry (PMID: 17503513). This variant is also known as 306434A>G. ClinVar contains an entry for this variant (Variation ID: 2326). Algorithms developed to predict the effect of sequence changes on RNA splicing suggest that this variant may disrupt the consensus splice site. For these reasons, this variant has been classified as Pathogenic.

Blueprint Genetics
Classification: Pathogenic for SYNE1-related disorders. Last evaluated: 2024-11-25. Review status: criteria provided, single submitter. Criteria: ACMG Guidelines, 2015. Collection method: clinical testing. Allele origin: germline. Affected: yes. Observed: 5 variant alleles.

Women's Health and Genetics/Laboratory Corporation of America, LabCorp
Classification: Pathogenic for Emery-Dreifuss muscular dystrophy 4, autosomal dominant. Last evaluated: 2024-03-06. Review status: criteria provided, single submitter. Criteria: LabCorp Variant Classification Summary - May 2015. Collection method: clinical testing. Allele origin: germline.
Comment: Variant summary: SYNE1 c.15705-12A>G alters a non-conserved nucleotide located at a position not widely known to affect splicing. However, several computational tools predict a significant impact on normal splicing: Three predict the variant abolishes or weakens the canonical 3' acceptor site and four predict the variant creates a new 3' acceptor site. At least one publication reports experimental evidence that this variant affects mRNA splicing through the use of a newly created 3' acceptor site which results in the inclusion of intronic material, creating a premature termination codon (Gros-Louis_2007). The variant allele was found at a frequency of 3.2e-05 in 251248 control chromosomes (gnomAD). c.15705-12A>G has been reported in the literature as a biallelic genotype in many French-Canadian individuals from multiple families affected with autosomal recessive cerebellar ataxia type 1 (ARCA1) (e.g. Gros-Louis_2007, Haj Salem_2021). These data indicate that the variant is very likely to be associated with disease. The following publications have been ascertained in the context of this evaluation (PMID: 17159980, 33397523). ClinVar contains an entry for this variant (Variation ID: 2326). Based on the evidence outlined above, the variant was classified as pathogenic.

Fulgent Genetics
Classification: Pathogenic for Autosomal recessive ataxia, Beauce type; Emery-Dreifuss muscular dystrophy 4, autosomal dominant; Arthrogryposis multiplex congenita 3, myogenic type. Last evaluated: 2024-01-18. Review status: criteria provided, single submitter. Criteria: ACMG Guidelines, 2015. Collection method: clinical testing. Allele origin: germline.

Revvity Omics, Revvity
Classification: Pathogenic. Last evaluated: 2023-06-27. Review status: criteria provided, single submitter. Criteria: ACMG Guidelines, 2015. Collection method: clinical testing. Allele origin: germline.

GeneDx
Classification: Pathogenic. Last evaluated: 2022-08-30. Review status: criteria provided, single submitter. Criteria: GeneDx Variant Classification Process June 2021. Collection method: clinical testing. Allele origin: germline. Affected: yes.
Comment: Not observed at a significant frequency in large population cohorts (gnomAD); In silico analysis supports a deleterious effect on splicing; This variant is associated with the following publications: (PMID: 17159980, 17503513, 33397523)

Fulgent Genetics
Classification: Pathogenic for Autosomal recessive ataxia, Beauce type; Emery-Dreifuss muscular dystrophy 4, autosomal dominant. Last evaluated: 2018-10-31. Review status: criteria provided, single submitter. Criteria: ACMG Guidelines, 2015. Collection method: clinical testing. Allele origin: unknown.

Eurofins Ntd Llc (ga)
Classification: Pathogenic. Last evaluated: 2017-03-06. Review status: criteria provided, single submitter. Criteria: EGL Classification Definitions 2015. Collection method: clinical testing. Allele origin: germline. Observed: 1 variant allele, 1 heterozygote.

PreventionGenetics, part of Exact Sciences
Classification: Pathogenic for SYNE1-related condition. Last evaluated: 2024-07-25. Review status: no assertion criteria provided. Collection method: clinical testing. Allele origin: germline. Not counted in ClinVar's aggregate classification.
Comment: The SYNE1 c.15705-12A>G variant is predicted to interfere with splicing. This variant has been reported in French Canadian individuals to be causative for autosomal recessive spinocerebellar ataxia 8 (Dupré et al. 2007. PubMed ID: 17503513). This variant is predicted to result in aberrant splicing (Alamut Visual Plus v1.6.1). Functional studies also support that this variant results in aberrant splicing and premature protein termination (Gros-Louis et al. 2007. PubMed ID: 17159980, referred to as 306434A>G). This variant is reported in 0.0062% of alleles in individuals of European (Non-Finnish) descent in gnomAD. This variant is interpreted as pathogenic.

OMIM
Classification: Pathogenic for SPINOCEREBELLAR ATAXIA, AUTOSOMAL RECESSIVE 8. Last evaluated: 2007-07-01. Review status: no assertion criteria provided. Collection method: literature only. Allele origin: germline. Not counted in ClinVar's aggregate classification.

Literature cited by the submitters: PubMed 17159980 (cited by 4 submitters); PubMed 17503513 (cited by 3 submitters); PubMed 33397523 (cited by Ambry Genetics and Women's Health and Genetics/Laboratory Corporation of America, LabCorp).